The following is an entry in ClinVar:

NM_000553.6(WRN):c.1533TGA[3] (p.Asp512dup)

Gene: WRN (WRN RecQ like helicase; plus strand). Cytogenetic location: 8p12.
Variant type: Microsatellite.
Coding change: c.1533TGA[3] on transcript NM_000553.6 (MANE Select); three copies in a row of the 3-base unit TGA starting at c.1533; the reference has two copies in a row; one copy, 3 bases duplicated.
Protein change: p.Asp512dup; duplicates aspartic acid 512.
Molecular consequence: inframe insertion.
Genome position (GRCh38, 1-based): chr8:31,087,880-31,087,882, TGA duplicated; duplicating any 3 consecutive bases within chr8:31,087,875-31,087,882 gives the same sequence; the position shown is the placement nearest the transcript's 3' end. VCF-style (leftmost placement, unchanged base first): chr8-31087874-A-AGAT. GRCh37 (hg19) VCF-style: chr8-30945390-A-AGAT.
Identifiers: ClinVar variation 1402891 (VCV001402891.9), dbSNP rs746348167, ClinGen allele CA4704393.

ClinVar aggregate classification (germline): Uncertain significance (1 of 4 stars; one submission).

Conditions:
Werner syndrome (WRN). Identifiers: Orphanet 902, MedGen C0043119, MONDO:0010196, OMIM 277700.

Submission:

Labcorp Genetics (formerly Invitae), Labcorp
Classification: Uncertain significance for Werner syndrome. Last evaluated: 2022-09-27. Review status: criteria provided, single submitter. Criteria: Invitae Variant Classification Sherloc (09022015). Collection method: clinical testing. Allele origin: germline.
Comment: In summary, the available evidence is currently insufficient to determine the role of this variant in disease. Therefore, it has been classified as a Variant of Uncertain Significance. This variant, c.1536_1538dup, results in the insertion of 1 amino acid(s) of the WRN protein (p.Asp512dup), but otherwise preserves the integrity of the reading frame. This variant is present in population databases (rs746348167, gnomAD 0.006%). This variant has not been reported in the literature in individuals affected with WRN-related conditions. Experimental studies and prediction algorithms are not available or were not evaluated, and the functional significance of this variant is currently unknown.